The following is an entry in ClinVar:

NM_002055.5(GFAP):c.1003G>A (p.Gly335Arg)

Gene: GFAP (glial fibrillary acidic protein; minus strand). Cytogenetic location: 17q21.31.
Variant type: single nucleotide variant.
Coding change: c.1003G>A on transcript NM_002055.5 (MANE Select); coding-DNA position 1003, G replaced by A.
Protein change: p.Gly335Arg; replaces glycine 335 with arginine.
Molecular consequence: missense variant.
Genome position (GRCh38, 1-based): chr17:44,911,360, C>T on the plus strand (G>A on the coding strand, the complement: GFAP is on the minus strand). VCF-style: chr17-44911360-C-T. GRCh37 (hg19) VCF-style: chr17-42988728-C-T.
Other names: c.1003G>A, p.Gly335Arg (NM_001131019.3, NM_001242376.3, NM_001363846.2); short protein forms G335R.
Identifiers: ClinVar variation 265178 (VCV000265178.13), dbSNP rs149353780, ClinGen allele CA8608773.
Genomic context (GRCh38, chr17:44,911,360, plus strand): 5'-CATTGAGCAGGTCCTGGTACTCCTGCAAGTGGCGGGCCATCTCGTCCTTGAGGCTCTGCC[C>T]CTCTTCCTCCAGCCGCGCCAGCGCCTCCTGATAACTGGCCGCCTCCCGCACGTGCCGCTC-3'
Protein context (NP_002046.1, residues 325-345): QEALARLEEE[Gly335Arg]QSLKDEMARH

ClinVar aggregate classification (germline): Conflicting classifications of pathogenicity. Review status: criteria provided, conflicting classifications (1 of 4 stars). 3 submissions from 3 submitters: Uncertain significance (1); Likely benign (2). Last evaluated 2026-01-15.

Allele frequency attached by ClinVar (database versions not stated): gnomAD 0.00005 and 0.00006; gnomAD exomes 0.00006 and 0.00010; ExAC 0.00007; TOPMed 0.00010; ESP Exome Variant Server 0.00015.
gnomAD v4.1: 103 of 1,614,056 alleles (0.0064%); highest among the groups gnomAD compares: Admixed American, 0.025%; no homozygotes.

Submissions (3):

Labcorp Genetics (formerly Invitae), Labcorp
Classification: Likely benign. Last evaluated: 2026-01-15. Review status: criteria provided, single submitter. Criteria: Invitae Variant Classification Sherloc (09022015). Collection method: clinical testing. Allele origin: germline.

Blueprint Genetics
Classification: Likely benign. Last evaluated: 2024-11-25. Review status: criteria provided, single submitter. Criteria: ACMG Guidelines, 2015. Collection method: clinical testing. Allele origin: germline.

GeneDx
Classification: Uncertain significance. Last evaluated: 2016-05-11. Review status: criteria provided, single submitter. Criteria: GeneDx Variant Classification (06012015). Collection method: clinical testing. Allele origin: germline. Affected: yes.
Comment: The G335R variant in the GFAP gene has not been reported previously as a pathogenic variant, nor as a benign variant, to our knowledge. The G335R variant was not observed at any significant frequency in approximately 6500 individuals of European and African American ancestry by the NHLBI Exome Sequencing Project. The G335R variant is a non-conservative amino acid substitution, which is likely to impact secondary protein structure as these residues differ in polarity, charge, size and/or other properties. This substitution occurs at a position where amino acids with similar properties to Glycine are tolerated across species. In silico analysis is inconsistent in its predictions as to whether or not the variant is damaging to the protein structure/function. We interpret G335R as a variant of uncertain significance